The following is an entry in ClinVar:

ClinVar aggregate classification (germline): Likely benign. Review status: criteria provided, multiple submitters, no conflicts (2 of 4 stars). 3 submissions from 3 submitters: Likely benign (2). 1 of the submissions does not count toward it. Last evaluated 2026-01-20.

Conditions:
BTD-related disorder. Also called: BTD-related condition.
Biotinidase deficiency. Also called: BTD deficiency; Late-onset biotin-responsive multiple carboxylase deficiency; Biotin deficiency. Identifiers: Orphanet 79241, MedGen C0220754, MONDO:0009665, OMIM 253260.

Allele frequency attached by ClinVar (database versions not stated): gnomAD exomes 0.00002 and 0.00007; ExAC 0.00005; gnomAD 0.00011; TOPMed 0.00019; 1000 Genomes Project 30x 0.00031; 1000 Genomes Project 0.00040.
gnomAD v4.1: 48 of 1,614,194 alleles (0.003%); highest among the groups gnomAD compares: Admixed American, 0.068%; no homozygotes.

Submissions (3):

Labcorp Genetics (formerly Invitae), Labcorp
Classification: Likely benign for Biotinidase deficiency. Last evaluated: 2026-01-20. Review status: criteria provided, single submitter. Criteria: Invitae Variant Classification Sherloc (09022015). Collection method: clinical testing. Allele origin: germline.

Blueprint Genetics
Classification: Likely benign. Last evaluated: 2022-07-26. Review status: criteria provided, single submitter. Criteria: ACMG Guidelines, 2015. Collection method: clinical testing. Allele origin: germline.

PreventionGenetics, part of Exact Sciences
Classification: Likely benign for BTD-related condition. Last evaluated: 2019-08-09. Review status: no assertion criteria provided. Collection method: clinical testing. Allele origin: germline. Not counted in ClinVar's aggregate classification.
Comment: This variant is classified as likely benign based on ACMG/AMP sequence variant interpretation guidelines (Richards et al. 2015 PMID: 25741868, with internal and published modifications).

NM_001370658.1(BTD):c.1362A>G (p.Glu454=)

Gene: BTD (biotinidase; plus strand). Cytogenetic location: 3p25.1.
Variant type: single nucleotide variant.
Coding change: c.1362A>G on transcript NM_001370658.1 (MANE Select); coding-DNA position 1362, A replaced by G.
Protein change: p.Glu454=; no amino-acid change (glutamic acid 454 retained).
Molecular consequence: synonymous variant. On other transcripts: intron variant (8).
Genome position (GRCh38, 1-based): chr3:15,645,278, A>G. VCF-style: chr3-15645278-A-G. GRCh37 (hg19) VCF-style: chr3-15686785-A-G.
Other names: c.1422A>G, p.Glu474= (NM_000060.4); c.1362A>G, p.Glu454= (NM_001281723.4, NM_001281724.3, NM_001281725.3 and 16 more transcripts); c.1015+347A>G (NM_001370752.1, NM_001407379.1); c.399+3221A>G (NM_001370753.1, NM_001407400.1, NM_001407380.1 and 3 more transcripts).
Identifiers: ClinVar variation 750596 (VCV000750596.15), dbSNP rs189789794, ClinGen allele CA2277473.